The following is an entry in ClinVar:

ClinVar aggregate classification (germline): Conflicting classifications of pathogenicity. Review status: criteria provided, conflicting classifications (1 of 4 stars). 5 submissions from 5 submitters: Uncertain significance (2); Likely benign (2). 1 of the submissions does not count toward it. Last evaluated 2025-12-09.

Conditions:
CDHR1-related disorder. Also called: CDHR1-related condition.
Inborn genetic diseases. Identifiers: MedGen C0950123, MeSH D030342.

Allele frequency attached by ClinVar (database versions not stated): ESP Exome Variant Server 0.00069; 1000 Genomes Project 0.00200; 1000 Genomes Project 30x 0.00265.
gnomAD v4.1: 333 of 1,614,228 alleles (0.021%); highest among the groups gnomAD compares: African/African-American, 0.42%; 1 homozygote.

Submissions (5):

Labcorp Genetics (formerly Invitae), Labcorp
Classification: Likely benign. Last evaluated: 2025-12-09. Review status: criteria provided, single submitter. Criteria: Invitae Variant Classification Sherloc (09022015). Collection method: clinical testing. Allele origin: germline.

Ambry Genetics
Classification: Uncertain significance for Inborn genetic diseases. Last evaluated: 2025-05-13. Review status: criteria provided, single submitter. Criteria: Ambry Variant Classification Scheme 2023. Collection method: clinical testing. Allele origin: germline.

Blueprint Genetics
Classification: Uncertain significance. Last evaluated: 2023-12-04. Review status: criteria provided, single submitter. Criteria: ACMG Guidelines, 2015. Collection method: clinical testing. Allele origin: germline.

Breakthrough Genomics
Classification: Likely benign. Review status: criteria provided, single submitter. Criteria: ACMG Guidelines, 2015. Collection method: not provided. Allele origin: germline. Inheritance: Autosomal recessive inheritance. Affected: yes.

PreventionGenetics, part of Exact Sciences
Classification: Likely benign for CDHR1-related condition. Last evaluated: 2024-09-10. Review status: no assertion criteria provided. Collection method: clinical testing. Allele origin: germline. Not counted in ClinVar's aggregate classification.
Comment: This variant is classified as likely benign based on ACMG/AMP sequence variant interpretation guidelines (Richards et al. 2015 PMID: 25741868, with internal and published modifications).

NM_033100.4(CDHR1):c.1855G>T (p.Val619Leu)

Gene: CDHR1 (cadherin related family member 1; plus strand). Cytogenetic location: 10q23.1.
Variant type: single nucleotide variant.
Coding change: c.1855G>T on transcript NM_033100.4 (MANE Select); coding-DNA position 1855, G replaced by T.
Protein change: p.Val619Leu; replaces valine 619 with leucine.
Molecular consequence: missense variant.
Genome position (GRCh38, 1-based): chr10:84,213,163, G>T. VCF-style: chr10-84213163-G-T. GRCh37 (hg19) VCF-style: chr10-85972919-G-T.
Other names: c.1855G>T, p.Val619Leu (NM_001171971.3); c.1855G>T (NM_033100.2, NM_033100.3); short protein forms V619L.
Identifiers: ClinVar variation 1090074 (VCV001090074.13), dbSNP rs115388824, ClinGen allele CA5580073.